The following is an entry in ClinVar:

NM_000256.3(MYBPC3):c.1291G>A (p.Asp431Asn)

Gene: MYBPC3 (myosin binding protein C3; minus strand). Cytogenetic location: 11p11.2.
Variant type: single nucleotide variant.
Coding change: c.1291G>A on transcript NM_000256.3 (MANE Select); coding-DNA position 1291, G replaced by A.
Protein change: p.Asp431Asn; replaces aspartic acid 431 with asparagine.
Molecular consequence: missense variant.
Genome position (GRCh38, 1-based): chr11:47,343,081, C>T on the plus strand (G>A on the coding strand, the complement: MYBPC3 is on the minus strand). VCF-style: chr11-47343081-C-T. GRCh37 (hg19) VCF-style: chr11-47364632-C-T.
Other names: c.1291G>A, p.Asp431Asn (LRG_386t1); short protein forms D431N.
Identifiers: ClinVar variation 418353 (VCV000418353.20), dbSNP rs753321277, ClinGen allele CA044090.

ClinVar aggregate classification (germline): Uncertain significance. Review status: criteria provided, multiple submitters, no conflicts (2 of 4 stars). 8 submissions from 8 submitters: Uncertain significance (8). Last evaluated 2026-09-10.

Conditions:
Cardiovascular phenotype. Identifiers: MedGen CN230736.
MYBPC3-related disorder. Also called: MYBPC3-related disorders; MYBPC3-related condition; MYBPC3-related disease.
Cardiomyopathy (CMYO). Also called: Cardiomyopathies. Identifiers: Orphanet 167848, MedGen C0878544, MONDO:0004994, HP:0001638. Inheritance: Various modes of inheritance.
Hypertrophic cardiomyopathy 4. Also called: Familial hypertrophic cardiomyopathy 4. Identifiers: MedGen C1861862, MONDO:0007268, OMIM 115197.
Hypertrophic cardiomyopathy. Also called: HYPERTROPHIC MYOCARDIOPATHY. Identifiers: Orphanet 217569, MedGen C0007194, MeSH D002312, MONDO:0005045, HP:0001639.

Allele frequency attached by ClinVar (database versions not stated): TOPMed below 0.00001; gnomAD exomes 0.00001 and 0.00002; ExAC 0.00003.
gnomAD v4.1: 15 of 1,612,132 alleles (0.00093%); highest among the groups gnomAD compares: South Asian, 0.0077%; no homozygotes.

Submissions (8):

PreventionGenetics, part of Exact Sciences
Classification: Uncertain significance for MYBPC3-related condition. Last evaluated: 2026-09-10. Review status: criteria provided, single submitter. Criteria: ACMG Guidelines, 2015. Collection method: clinical testing. Allele origin: germline.
Comment: The MYBPC3 c.1291G>A variant is predicted to result in the amino acid substitution p.Asp431Asn. This variant has been reported in individuals with hypertrophic cardiomyopathy (Table S1A, Walsh et al. 2017. PubMed ID: 27532257; Table S8, McGurk et al. 2023. PubMed ID: 37652022). This variant is reported in 0.013% of alleles in individuals of South Asian descent in gnomAD. At this time, the clinical significance of this variant is uncertain due to the absence of conclusive functional and genetic evidence.

Ambry Genetics
Classification: Uncertain significance for Cardiovascular phenotype. Last evaluated: 2026-01-26. Review status: criteria provided, single submitter. Criteria: Ambry Variant Classification Scheme 2023. Collection method: clinical testing. Allele origin: germline.
Comment: The p.D431N variant (also known as c.1291G>A), located in coding exon 15 of the MYBPC3 gene, results from a G to A substitution at nucleotide position 1291. The aspartic acid at codon 431 is replaced by asparagine, an amino acid with highly similar properties. This variant was reported in individual(s) with features consistent with hypertrophic cardiomyopathy (Walsh R et al. Genet Med, 2017 Feb;19:192-203). This amino acid position is highly conserved in available vertebrate species. In addition, this alteration is predicted to be tolerated by in silico analysis. Based on the available evidence, the clinical significance of this variant remains unclear.

Labcorp Genetics (formerly Invitae), Labcorp
Classification: Uncertain significance for Hypertrophic cardiomyopathy. Last evaluated: 2025-04-13. Review status: criteria provided, single submitter. Criteria: Invitae Variant Classification Sherloc (09022015). Collection method: clinical testing. Allele origin: germline.
Comment: This sequence change replaces aspartic acid, which is acidic and polar, with asparagine, which is neutral and polar, at codon 431 of the MYBPC3 protein (p.Asp431Asn). This variant is present in population databases (rs753321277, gnomAD 0.01%). This missense change has been observed in individual(s) with hypertrophic cardiomyopathy (PMID: 27532257, 37652022). ClinVar contains an entry for this variant (Variation ID: 418353). An algorithm developed to predict the effect of missense changes on protein structure and function (PolyPhen-2) suggests that this variant is likely to be disruptive. In summary, the available evidence is currently insufficient to determine the role of this variant in disease. Therefore, it has been classified as a Variant of Uncertain Significance.

All of Us Research Program, National Institutes of Health
Classification: Uncertain significance for Hypertrophic cardiomyopathy. Last evaluated: 2024-01-11. Review status: criteria provided, single submitter. Criteria: ACMG Guidelines, 2015. Collection method: clinical testing. Allele origin: germline. Inheritance: Autosomal dominant inheritance. Observed: 2 variant alleles, 2 heterozygotes.
Comment: This missense variant replaces aspartic acid with asparagine at codon 431 of the MYBPC3 protein. Computational prediction is inconclusive regarding the impact of this variant on protein structure and function (internally defined REVEL score threshold 0.5 < inconclusive < 0.7, PMID: 27666373). To our knowledge, functional studies have not been reported for this variant. This variant has been reported in an individual affected with hypertrophic cardiomyopathy (PMID: 27532257). This variant has been identified in 5/244552 chromosomes in the general population by the Genome Aggregation Database (gnomAD). The available evidence is insufficient to determine the role of this variant in disease conclusively. Therefore, this variant is classified as a Variant of Uncertain Significance.

This study involves interpretation of variants in research participants for the purpose of population health screening. Participant phenotype was not available at the time of variant classification. Additional details can be found in publication PMID: 35346344, PMCID: PMC8962531

Color Diagnostics, LLC DBA Color Health
Classification: Uncertain significance for Cardiomyopathy. Last evaluated: 2023-07-25. Review status: criteria provided, single submitter. Criteria: ACMG Guidelines, 2015. Collection method: clinical testing. Allele origin: germline.
Comment: This missense variant replaces aspartic acid with asparagine at codon 431 of the MYBPC3 protein. Computational prediction is inconclusive regarding the impact of this variant on protein structure and function (internally defined REVEL score threshold 0.5 < inconclusive < 0.7, PMID: 27666373). To our knowledge, functional studies have not been reported for this variant. This variant has been reported in an individual affected with hypertrophic cardiomyopathy (PMID: 27532257). This variant has been identified in 5/244552 chromosomes in the general population by the Genome Aggregation Database (gnomAD). The available evidence is insufficient to determine the role of this variant in disease conclusively. Therefore, this variant is classified as a Variant of Uncertain Significance.

GeneDx
Classification: Uncertain significance. Last evaluated: 2022-07-11. Review status: criteria provided, single submitter. Criteria: GeneDx Variant Classification Process June 2021. Collection method: clinical testing. Allele origin: germline. Affected: yes.
Comment: Not observed at a significant frequency in large population cohorts (gnomAD); In silico analysis supports that this missense variant has a deleterious effect on protein structure/function; This variant is associated with the following publications: (PMID: 27532257)

Victorian Clinical Genetics Services, Murdoch Childrens Research Institute
Classification: Uncertain significance for Hypertrophic cardiomyopathy 4. Last evaluated: 2021-05-06. Review status: criteria provided, single submitter. Criteria: ACMG Guidelines, 2015. Collection method: clinical testing. Allele origin: germline. Affected: yes.
Comment: Based on the classification scheme VCGS_Germline_v1.3.4, this variant is classified as VUS-3B. Following criteria are met: 0102 - Loss of function is a known mechanism of disease in this gene and is associated with hypertrophic cardiomyopathy 4 (MIM# 115197). (I) 0108 - This gene is associated with both recessive and dominant disease. Heterozygous variants are frequently reported in adult onset conditions, however recessive inheritance results in a more severe early onset phenotype (OMIM). (I) 0200 - Variant is predicted to result in a missense amino acid change from aspartic acid to asparagine. (I) 0251 - This variant is heterozygous. (I) 0302 - Variant is present in gnomAD (v2) <0.001 for a dominant condition (5 heterozygotes, 0 homozygotes). (SP) 0309 - An alternative amino acid change at the same position has been observed in gnomAD (v2) (1 heterozygote, 0 homozygotes). (I) 0502 - Missense variant with conflicting in silico predictions and uninformative conservation. (I) 0600 - Variant is located in the annotated immunoglobin domain (PDB, NCBI). (I) 0710 - Another missense variant comparable to the one identified in this case has inconclusive previous evidence for pathogenicity. This variant (p.Asp431Glu) has been reported as a VUS (ClinVar). (I) 0808 - Previous reports of pathogenicity for this variant are conflicting. This variant has been reported as both likely pathogenic and as a VUS (ClinVar, cardiacdb). (I) 0905 - No published segregation evidence has been identified for this variant. (I) 1007 - No published functional evidence has been identified for this variant. (I) Legend: (SP) - Supporting pathogenic, (I) - Information, (SB) - Supporting benign

CHEO Genetics Diagnostic Laboratory, Children's Hospital of Eastern Ontario
Classification: Uncertain significance for Cardiomyopathy. Last evaluated: 2018-01-12. Review status: criteria provided, single submitter. Criteria: ACMG Guidelines, 2015. Collection method: clinical testing. Allele origin: germline.

Literature cited by the submitters: PubMed 27532257 (cited by 4 submitters); PubMed 37652022 (cited by Labcorp Genetics (formerly Invitae), Labcorp).